The following is an entry in ClinVar:

ClinVar aggregate classification (germline): Uncertain significance (1 of 4 stars; one submission).

Conditions:
Congenital contractural arachnodactyly (CCA). Also called: BEALS SYNDROME; Beals-Hecht syndrome; Arthrogryposis, distal, type 9. Identifiers: Orphanet 115, MedGen C0220668, MONDO:0007363, OMIM 121050.

Allele frequency attached by ClinVar (database versions not stated): gnomAD 0.00001.
gnomAD v4.1: 1 of 1,613,870 alleles (0.000062%); highest among the groups gnomAD compares: Non-Finnish European, 0.000085%; no homozygotes.

Submission:

Labcorp Genetics (formerly Invitae), Labcorp
Classification: Uncertain significance for Congenital contractural arachnodactyly. Last evaluated: 2022-04-10. Review status: criteria provided, single submitter. Criteria: Invitae Variant Classification Sherloc (09022015). Collection method: clinical testing. Allele origin: germline.
Comment: Advanced modeling of protein sequence and biophysical properties (such as structural, functional, and spatial information, amino acid conservation, physicochemical variation, residue mobility, and thermodynamic stability) performed at Invitae indicates that this missense variant is expected to disrupt FBN2 protein function. In summary, the available evidence is currently insufficient to determine the role of this variant in disease. Therefore, it has been classified as a Variant of Uncertain Significance. This variant has not been reported in the literature in individuals affected with FBN2-related conditions. This variant is not present in population databases (gnomAD no frequency). This sequence change replaces glycine, which is neutral and non-polar, with aspartic acid, which is acidic and polar, at codon 1430 of the FBN2 protein (p.Gly1430Asp).

NM_001999.4(FBN2):c.4289G>A (p.Gly1430Asp)

Gene: FBN2 (fibrillin 2; minus strand). Cytogenetic location: 5q23.3.
Variant type: single nucleotide variant.
Coding change: c.4289G>A on transcript NM_001999.4 (MANE Select); coding-DNA position 4289, G replaced by A.
Protein change: p.Gly1430Asp; replaces glycine 1430 with aspartic acid.
Molecular consequence: missense variant.
Genome position (GRCh38, 1-based): chr5:128,330,629, C>T on the plus strand (G>A on the coding strand, the complement: FBN2 is on the minus strand). VCF-style: chr5-128330629-C-T. GRCh37 (hg19) VCF-style: chr5-127666321-C-T.
Other names: short protein forms G1430D.
Identifiers: ClinVar variation 2124229 (VCV002124229.4), dbSNP rs1198328195, ClinGen allele CA360754028.